The following is an entry in ClinVar:

ClinVar aggregate classification (germline): Uncertain significance (1 of 4 stars; one submission).

Submission:

GeneDx
Classification: Uncertain significance. Last evaluated: 2025-06-04. Review status: criteria provided, single submitter. Criteria: GeneDx Variant Classification Process June 2021. Collection method: clinical testing. Allele origin: germline. Affected: yes.
Comment: Not observed at significant frequency in large population cohorts (gnomAD); In silico analysis supports that this missense variant has a deleterious effect on protein structure/function; Has not been previously published as pathogenic or benign to our knowledge

NM_001005273.3(CHD3):c.2206C>G (p.Leu736Val)

Gene: CHD3 (chromodomain helicase DNA binding protein 3; plus strand). Cytogenetic location: 17p13.1.
Variant type: single nucleotide variant.
Coding change: c.2206C>G on transcript NM_001005273.3 (MANE Select); coding-DNA position 2206, C replaced by G.
Protein change: p.Leu736Val; replaces leucine 736 with valine.
Molecular consequence: missense variant.
Genome position (GRCh38, 1-based): chr17:7,899,065, C>G. VCF-style: chr17-7899065-C-G. GRCh37 (hg19) VCF-style: chr17-7802383-C-G.
Other names: c.2383C>G, p.Leu795Val (NM_001005271.3, NM_001437504.1); c.2371C>G, p.Leu791Val (NM_001437507.1, NM_001437508.1, NM_001437509.1); c.2206C>G, p.Leu736Val (NM_005852.4); short protein forms L736V, L791V, L795V.
Identifiers: ClinVar variation 4536534 (VCV004536534.1).